The following is an entry in ClinVar:

NM_000238.4(KCNH2):c.2684C>A (p.Thr895Lys)

Gene: KCNH2 (potassium voltage-gated channel subfamily H member 2; minus strand). Cytogenetic location: 7q36.1.
Variant type: single nucleotide variant.
Coding change: c.2684C>A on transcript NM_000238.4 (MANE Select); coding-DNA position 2684, C replaced by A.
Protein change: p.Thr895Lys; replaces threonine 895 with lysine.
Molecular consequence: missense variant.
Genome position (GRCh38, 1-based): chr7:150,948,452, G>T on the plus strand (C>A on the coding strand, the complement: KCNH2 is on the minus strand). VCF-style: chr7-150948452-G-T. GRCh37 (hg19) VCF-style: chr7-150645540-G-T.
Other names: c.1664C>A, p.Thr555Lys (NM_172057.3); short protein forms T895K, T555K.
Identifiers: ClinVar variation 927873 (VCV000927873.12), dbSNP rs199473434, ClinGen allele CA369853629.

ClinVar aggregate classification (germline): Uncertain significance. Review status: criteria provided, multiple submitters, no conflicts (2 of 4 stars). 4 submissions from 4 submitters: Uncertain significance (4). Last evaluated 2024-03-24.

Conditions:
Cardiac arrhythmia. Also called: Arrhythmia; Cardiac rhythm disease. Identifiers: MedGen C0003811, MONDO:0007263, HP:0011675.
Short QT syndrome type 1. Identifiers: Orphanet 51083, MedGen C1865020, MONDO:0012312, OMIM 609620.
Long QT syndrome 2 (LQT2). Identifiers: Orphanet 101016, Orphanet 768, MedGen C3150943, MONDO:0013367, OMIM 613688.
Long QT syndrome (LQTS). Identifiers: MedGen C0023976, MeSH D008133, MONDO:0002442. Disease mechanism: loss of function. Inheritance: Various modes of inheritance.
Cardiovascular phenotype. Identifiers: MedGen CN230736.

Submissions (4):

All of Us Research Program, National Institutes of Health
Classification: Uncertain significance for Long QT syndrome. Last evaluated: 2024-03-24. Review status: criteria provided, single submitter. Criteria: ACMG Guidelines, 2015. Collection method: clinical testing. Allele origin: germline. Inheritance: Autosomal dominant inheritance. Observed: 3 variant alleles, 3 heterozygotes.
Comment: This missense variant replaces threonine with lysine at codon 895 of the KCNH2 protein. Computational prediction is inconclusive regarding the impact of this variant on protein structure and function (internally defined REVEL score threshold 0.5 < inconclusive < 0.7, PMID: 27666373). To our knowledge, functional studies have not been reported for this variant. This variant has not been reported in individuals affected with cardiovascular disorders in the literature. This variant has not been identified in the general population by the Genome Aggregation Database (gnomAD). The available evidence is insufficient to determine the role of this variant in disease conclusively. Therefore, this variant is classified as a Variant of Uncertain Significance.

This study involves interpretation of variants in research participants for the purpose of population health screening. Participant phenotype was not available at the time of variant classification. Additional details can be found in publication PMID: 35346344, PMCID: PMC8962531

Color Diagnostics, LLC DBA Color Health
Classification: Uncertain significance for Cardiac arrhythmia. Last evaluated: 2023-06-28. Review status: criteria provided, single submitter. Criteria: ACMG Guidelines, 2015. Collection method: clinical testing. Allele origin: germline.
Comment: This missense variant replaces threonine with lysine at codon 895 of the KCNH2 protein. Computational prediction is inconclusive regarding the impact of this variant on protein structure and function (internally defined REVEL score threshold 0.5 < inconclusive < 0.7, PMID: 27666373). To our knowledge, functional studies have not been reported for this variant. This variant has not been reported in individuals affected with cardiovascular disorders in the literature. This variant has not been identified in the general population by the Genome Aggregation Database (gnomAD). The available evidence is insufficient to determine the role of this variant in disease conclusively. Therefore, this variant is classified as a Variant of Uncertain Significance.

New York Genome Center
Classification: Uncertain significance for Long QT syndrome 2; Short QT syndrome type 1. Last evaluated: 2023-02-17. Review status: criteria provided, single submitter. Criteria: NYGC Assertion Criteria 2020. Collection method: clinical testing. Allele origin: germline. Observed: 1 heterozygote.
Comment: The c.2684C>A p.(Thr895Lys) variant in the KCNH2 gene has been deposited in ClinVar [ClinVar ID: 927873] as Variant of Uncertain Significance and, to our current knowledge, has not been reported in affected individuals in the literature. The c.2684C>A variant is observed in 3 alleles (~0.001 %minor allele frequency with 0 homozygotes) in population databases (gnomAD v2.1.1 and v3.1.2, TOPMed Freeze 8), suggesting it is not a common benign variant in the populations represented in those databases. The c.2684C>A variant in KCNH2 is located in exon 11 of this 15-exon gene, and predicted to replace an evolutionarily conserved threonine amino acid with lysine at position 895 in the second disordered region of the encoded protein [UniProtKB ID: Q12809]. In silico predictions are moderately in favor of damaging effect for the p.(Thr895Lys) variant (CADD v1.6 = 21.5, REVEL = 0.662); however, there are no functional studies to support or refute these predictions. Based on available evidence this c.2684C>A p.(Thr895Lys) variant identified in KCNH2 is classified as a Variant of Uncertain Significance.

Ambry Genetics
Classification: Uncertain significance for Cardiovascular phenotype. Last evaluated: 2021-09-14. Review status: criteria provided, single submitter. Criteria: Ambry Variant Classification Scheme 2023. Collection method: clinical testing. Allele origin: germline.
Comment: The p.T895K variant (also known as c.2684C>A), located in coding exon 11 of the KCNH2 gene, results from a C to A substitution at nucleotide position 2684. The threonine at codon 895 is replaced by lysine, an amino acid with similar properties. This amino acid position is highly conserved in available vertebrate species. In addition, this alteration is predicted to be deleterious by in silico analysis. Since supporting evidence is limited at this time, the clinical significance of this alteration remains unclear.